The following is an entry in ClinVar:

NM_153717.3(EVC):c.2146C>T (p.Gln716Ter)

Gene: EVC (EvC ciliary complex subunit 1; plus strand). Cytogenetic location: 4p16.2.
Variant type: single nucleotide variant.
Coding change: c.2146C>T on transcript NM_153717.3 (MANE Select); coding-DNA position 2146, C replaced by T.
Protein change: p.Gln716Ter; replaces glutamine 716 with a stop codon.
Molecular consequence: nonsense.
Genome position (GRCh38, 1-based): chr4:5,798,634, C>T. VCF-style: chr4-5798634-C-T. GRCh37 (hg19) VCF-style: chr4-5800361-C-T.
Other names: c.2146C>T, p.Gln716Ter (NM_001306090.2); short protein forms Q716*.
Identifiers: ClinVar variation 951422 (VCV000951422.9), dbSNP rs1714412021, ClinGen allele CA356144993.
Genomic context (GRCh38, chr4:5,798,634, plus strand): 5'-TTTCCCTCCCAGGAGGCGCGTGTGCTGGAGGAGGCCAGCCGGCTAGAGGAGGAAGCACAG[C>T]AGACACGGCTGCAGCTCCAGCAGCGGCTCCTGGCCGAGGCCCAGGAGGTGGGGCAGCTTC-3'

ClinVar aggregate classification (germline): Pathogenic. Review status: criteria provided, multiple submitters, no conflicts (2 of 4 stars). 2 submissions from 2 submitters: Pathogenic (2). Last evaluated 2024-05-08.

Conditions:
Curry-Hall syndrome (WAD). Also called: WEYERS ACRODENTAL DYSOSTOSIS. Identifiers: Orphanet 952, MedGen C0457013, MONDO:0008673, OMIM 193530.
Ellis-van Creveld syndrome (EVC). Also called: MESOECTODERMAL DYSPLASIA; Chondroectodermal dysplasia. Identifiers: Orphanet 289, MedGen C0013903, MONDO:0009162, OMIM 225500.

Submissions (2):

Myriad Genetics, Inc.
Classification: Pathogenic for Ellis-van Creveld syndrome. Last evaluated: 2024-05-08. Review status: criteria provided, single submitter. Criteria: Myriad Autosomal Dominant, Autosomal Recessive and X-Linked Classification Criteria (2023). Collection method: clinical testing. Allele origin: unknown.
Comment: NM_153717.2(EVC):c.2146C>T(Q716*) is expected to be pathogenic in the context of EVC-related Ellis-van Creveld syndrome. This variant is predicted to lead to an abnormal or absent protein product due to the creation of a premature termination codon in EVC, a gene where loss-of-function variants are known to be pathogenic. Please note: this variant was assessed in the context of healthy population screening.

Labcorp Genetics (formerly Invitae), Labcorp
Classification: Pathogenic for Curry-Hall syndrome; Ellis-van Creveld syndrome. Last evaluated: 2019-07-25. Review status: criteria provided, single submitter. Criteria: Invitae Variant Classification Sherloc (09022015). Collection method: clinical testing. Allele origin: germline.
Comment: For these reasons, this variant has been classified as Pathogenic. Loss-of-function variants in EVC are known to be pathogenic (PMID: 23220543). This variant has not been reported in the literature in individuals with EVC-related conditions. This variant is not present in population databases (ExAC no frequency). This sequence change creates a premature translational stop signal (p.Gln716*) in the EVC gene. It is expected to result in an absent or disrupted protein product.

Literature cited by the submitters: PubMed 23220543 (cited by Labcorp Genetics (formerly Invitae), Labcorp).